The following is an entry in ClinVar:

NM_001379180.1(ESRRB):c.1138G>C (p.Asp380His)

Gene: ESRRB (estrogen related receptor beta; plus strand). Cytogenetic location: 14q24.3.
Variant type: single nucleotide variant.
Coding change: c.1138G>C on transcript NM_001379180.1 (MANE Select); coding-DNA position 1138, G replaced by C.
Protein change: p.Asp380His; replaces aspartic acid 380 with histidine.
Molecular consequence: missense variant.
Genome position (GRCh38, 1-based): chr14:76,498,231, G>C. VCF-style: chr14-76498231-G-C. GRCh37 (hg19) VCF-style: chr14-76964574-G-C.
Other names: c.1075G>C (NM_004452.3); c.1075G>C, p.Asp359His (NM_004452.4); short protein forms D359H, D380H.
Identifiers: ClinVar variation 1404216 (VCV001404216.7), dbSNP rs765737772, ClinGen allele CA7281787.

ClinVar aggregate classification (germline): Uncertain significance. Review status: criteria provided, multiple submitters, no conflicts (2 of 4 stars). 3 submissions from 3 submitters: Uncertain significance (3). Last evaluated 2025-04-03.

Allele frequency attached by ClinVar (database versions not stated): ExAC 0.00001.
gnomAD v4.1: 14 of 1,613,730 alleles (0.00087%); highest among the groups gnomAD compares: Admixed American, 0.0067%; no homozygotes.

Submissions (3):

GeneDx
Classification: Uncertain significance. Last evaluated: 2025-04-03. Review status: criteria provided, single submitter. Criteria: GeneDx Variant Classification Process June 2021. Collection method: clinical testing. Allele origin: germline. Affected: yes.
Comment: Not observed at significant frequency in large population cohorts (gnomAD); In silico analysis supports that this missense variant has a deleterious effect on protein structure/function; Has not been previously published as pathogenic or benign to our knowledge

Labcorp Genetics (formerly Invitae), Labcorp
Classification: Uncertain significance. Last evaluated: 2021-09-01. Review status: criteria provided, single submitter. Criteria: Invitae Variant Classification Sherloc (09022015). Collection method: clinical testing. Allele origin: germline.
Comment: This sequence change replaces aspartic acid with histidine at codon 359 of the ESRRB protein (p.Asp359His). The aspartic acid residue is moderately conserved and there is a moderate physicochemical difference between aspartic acid and histidine. This variant is present in population databases (rs765737772, ExAC 0.002%). This variant has not been reported in the literature in individuals affected with ESRRB-related conditions. Algorithms developed to predict the effect of missense changes on protein structure and function (SIFT, PolyPhen-2, Align-GVGD) all suggest that this variant is likely to be disruptive. In summary, the available evidence is currently insufficient to determine the role of this variant in disease. Therefore, it has been classified as a Variant of Uncertain Significance.

Blueprint Genetics
Classification: Uncertain significance. Last evaluated: 2019-10-24. Review status: criteria provided, single submitter. Criteria: ACMG Guidelines, 2015. Collection method: clinical testing. Allele origin: germline.